The following is an entry in ClinVar:

NM_006059.4(LAMC3):c.3304C>T (p.Arg1102Cys)

Gene: LAMC3 (laminin subunit gamma 3; plus strand). Cytogenetic location: 9q34.12.
Variant type: single nucleotide variant.
Coding change: c.3304C>T on transcript NM_006059.4 (MANE Select); coding-DNA position 3304, C replaced by T.
Protein change: p.Arg1102Cys; replaces arginine 1102 with cysteine.
Molecular consequence: missense variant.
Genome position (GRCh38, 1-based): chr9:131,072,722, C>T. VCF-style: chr9-131072722-C-T. GRCh37 (hg19) VCF-style: chr9-133948109-C-T.
Other names: c.3304C>T (NM_006059.3); short protein forms R1102C.
Identifiers: ClinVar variation 1492193 (VCV001492193.8), dbSNP rs779959565, ClinGen allele CA5287745.

ClinVar aggregate classification (germline): Uncertain significance. Review status: criteria provided, multiple submitters, no conflicts (2 of 4 stars). 2 submissions from 2 submitters: Uncertain significance (2). Last evaluated 2025-08-01.

Conditions:
Inborn genetic diseases. Identifiers: MedGen C0950123, MeSH D030342.

Allele frequency attached by ClinVar (database versions not stated): gnomAD 0.00001; ExAC 0.00003; TOPMed 0.00003.
gnomAD v4.1: 15 of 1,612,290 alleles (0.00093%); highest among the groups gnomAD compares: East Asian, 0.013%; no homozygotes.

Submissions (2):

Ambry Genetics
Classification: Uncertain significance for Inborn genetic diseases. Last evaluated: 2025-08-01. Review status: criteria provided, single submitter. Criteria: Ambry Variant Classification Scheme 2023. Collection method: clinical testing. Allele origin: germline.

Labcorp Genetics (formerly Invitae), Labcorp
Classification: Uncertain significance. Last evaluated: 2022-10-13. Review status: criteria provided, single submitter. Criteria: Invitae Variant Classification Sherloc (09022015). Collection method: clinical testing. Allele origin: germline.
Comment: This sequence change replaces arginine, which is basic and polar, with cysteine, which is neutral and slightly polar, at codon 1102 of the LAMC3 protein (p.Arg1102Cys). In summary, the available evidence is currently insufficient to determine the role of this variant in disease. Therefore, it has been classified as a Variant of Uncertain Significance. Algorithms developed to predict the effect of missense changes on protein structure and function (SIFT, PolyPhen-2, Align-GVGD) all suggest that this variant is likely to be tolerated. ClinVar contains an entry for this variant (Variation ID: 1492193). This variant has not been reported in the literature in individuals affected with LAMC3-related conditions. This variant is present in population databases (rs779959565, gnomAD 0.02%).